The following is an entry in ClinVar:

ClinVar aggregate classification (germline): Uncertain significance (1 of 4 stars; one submission).

Conditions:
Short-rib thoracic dysplasia 6 with or without polydactyly (SRTD6). Also called: Majewski Syndrome; POLYDACTYLY WITH NEONATAL CHONDRODYSTROPHY, TYPE II; SHORT-RIB THORACIC DYSPLASIA 6 WITH POLYDACTYLY; SHORT-RIB THORACIC DYSPLASIA 6 WITHOUT POLYDACTYLY; SHORT RIB-POLYDACTYLY SYNDROME, TYPE IIA. Identifiers: MedGen C0024507, MONDO:0009894, OMIM 263520.

gnomAD v4.1: 5 of 1,613,364 alleles (0.00031%); highest among the groups gnomAD compares: South Asian, 0.0033%; no homozygotes.

Submission:

Labcorp Genetics (formerly Invitae), Labcorp
Classification: Uncertain significance for Short-rib thoracic dysplasia 6 with or without polydactyly. Last evaluated: 2022-09-01. Review status: criteria provided, single submitter. Criteria: Invitae Variant Classification Sherloc (09022015). Collection method: clinical testing. Allele origin: germline.
Comment: This variant has not been reported in the literature in individuals affected with NEK1-related conditions. Advanced modeling of protein sequence and biophysical properties (such as structural, functional, and spatial information, amino acid conservation, physicochemical variation, residue mobility, and thermodynamic stability) performed at Invitae indicates that this missense variant is expected to disrupt NEK1 protein function. In summary, the available evidence is currently insufficient to determine the role of this variant in disease. Therefore, it has been classified as a Variant of Uncertain Significance. This sequence change replaces glycine, which is neutral and non-polar, with glutamic acid, which is acidic and polar, at codon 86 of the NEK1 protein (p.Gly86Glu). This variant is present in population databases (no rsID available, gnomAD 0.0009%).

NM_001199397.3(NEK1):c.257G>A (p.Gly86Glu)

Gene: NEK1 (NIMA related kinase 1; minus strand). Cytogenetic location: 4q33.
Variant type: single nucleotide variant.
Coding change: c.257G>A on transcript NM_001199397.3 (MANE Select); coding-DNA position 257, G replaced by A.
Protein change: p.Gly86Glu; replaces glycine 86 with glutamic acid.
Molecular consequence: missense variant.
Genome position (GRCh38, 1-based): chr4:169,599,155, C>T on the plus strand (G>A on the coding strand, the complement: NEK1 is on the minus strand). VCF-style: chr4-169599155-C-T. GRCh37 (hg19) VCF-style: chr4-170520306-C-T.
Other names: c.257G>A, p.Gly86Glu (NM_001199398.3, NM_001199399.3, NM_001199400.3 and 7 more transcripts); short protein forms G86E.
Identifiers: ClinVar variation 1902989 (VCV001902989.5), dbSNP rs1431339437, ClinGen allele CA358743150.
Genomic context (GRCh38, chr4:169,599,155, plus strand): 5'-CTTACCTGATCCTCTTGAAACAAAACGCCTTTCTGAGCATTTATTCGCTTAAACAGATCC[C>T]CTCCCTCACAGTAATCCATTACTATGTAGAGAGAGCCATTTTCTACAAAATATAAACATT-3'
Protein context (NP_001186326.1, residues 76-96): LYIVMDYCEG[Gly86Glu]DLFKRINAQK